The following is an entry in ClinVar:

ClinVar aggregate classification (germline): Uncertain significance (1 of 4 stars; one submission).

Conditions:
Hereditary cancer-predisposing syndrome. Also called: Hereditary neoplastic syndrome; Hereditary Cancer Syndrome; Neoplastic Syndromes, Hereditary; Tumor predisposition. Identifiers: Orphanet 140162, MedGen C0027672, MeSH D009386, MONDO:0015356.

Submission:

Ambry Genetics
Classification: Uncertain significance for Hereditary cancer-predisposing syndrome. Last evaluated: 2023-04-07. Review status: criteria provided, single submitter. Criteria: Ambry Variant Classification Scheme 2023. Collection method: clinical testing. Allele origin: germline.
Comment: The p.M231R variant (also known as c.692T>G), located in coding exon 7 of the EPCAM gene, results from a T to G substitution at nucleotide position 692. The methionine at codon 231 is replaced by arginine, an amino acid with similar properties. This amino acid position is conserved. In addition, this alteration is predicted to be tolerated by in silico analysis. Since supporting evidence is limited at this time, the clinical significance of this alteration remains unclear.

NM_002354.3(EPCAM):c.692T>G (p.Met231Arg)

Gene: EPCAM (epithelial cell adhesion molecule; plus strand). Cytogenetic location: 2p21.
Variant type: single nucleotide variant.
Coding change: c.692T>G on transcript NM_002354.3 (MANE Select); coding-DNA position 692, T replaced by G.
Protein change: p.Met231Arg; replaces methionine 231 with arginine.
Molecular consequence: missense variant.
Genome position (GRCh38, 1-based): chr2:47,379,803, T>G. VCF-style: chr2-47379803-T-G. GRCh37 (hg19) VCF-style: chr2-47606942-T-G.
Other names: short protein forms M231R.
Identifiers: ClinVar variation 2566628 (VCV002566628.2), dbSNP rs1671533076, ClinGen allele CA346724396.